The following is an entry in ClinVar:

NM_001127217.3(SMAD9):c.1143C>G (p.Ser381Arg)

Gene: SMAD9 (SMAD family member 9; minus strand). Cytogenetic location: 13q13.3.
Variant type: single nucleotide variant.
Coding change: c.1143C>G on transcript NM_001127217.3 (MANE Select); coding-DNA position 1143, C replaced by G.
Protein change: p.Ser381Arg; replaces serine 381 with arginine.
Molecular consequence: missense variant.
Genome position (GRCh38, 1-based): chr13:36,853,536, G>C on the plus strand (C>G on the coding strand, the complement: SMAD9 is on the minus strand). VCF-style: chr13-36853536-G-C. GRCh37 (hg19) VCF-style: chr13-37427673-G-C.
Other names: c.1032C>G, p.Ser344Arg (NM_001378621.1, NM_005905.6); short protein forms S344R, S381R.
Identifiers: ClinVar variation 4882895 (VCV004882895.2).

ClinVar aggregate classification (germline): Uncertain significance (1 of 4 stars; one submission).

Conditions:
Pulmonary hypertension, primary, 2. Identifiers: Orphanet 422, MedGen C3888002, MONDO:0014134, OMIM 615342.

gnomAD v4.1: 5 of 1,614,064 alleles (0.00031%); highest among the groups gnomAD compares: Non-Finnish European, 0.00034%; no homozygotes.

Submission:

Dasa
Classification: Uncertain significance for Pulmonary hypertension, primary, 2. Last evaluated: 2026-01-15. Review status: criteria provided, single submitter. Criteria: DASA Assertion Criteria. Collection method: clinical testing. Allele origin: germline.
Comment: NM_001127217.3(SMAD9):c.1143C>G (p.Ser381Arg) is a missense variant that results in the substitution of serine with arginine. This variant is rare in population databases. Computational prediction algorithms are consistent with a deleterious effect. The currently available literature and clinical evidence are not sufficient to establish a definitive association between this variant and the reported condition. Therefore, this variant is classified as a variant of uncertain significance.